The following is an entry in ClinVar:

NM_001384474.1(LOXHD1):c.3419dup (p.Leu1140fs)

Gene: LOXHD1 (lipoxygenase homology PLAT domains 1; minus strand). Cytogenetic location: 18q21.1.
Variant type: Duplication.
Coding change: c.3419dup on transcript NM_001384474.1 (MANE Select); coding-DNA position 3419, one base duplicated (T; older notation c.3419dupT).
Protein change: p.Leu1140fs; shifts the reading frame from leucine 1140.
Molecular consequence: frameshift variant. On other transcripts: 5 prime UTR variant (1).
Genome position (GRCh38, 1-based): chr18:46,546,990, A duplicated on the plus strand (T on the coding strand, the reverse complement: LOXHD1 is on the minus strand); the first of 2 consecutive A bases (chr18:46,546,990-46,546,991); duplicating either gives the same sequence. VCF-style (leftmost placement, unchanged base first): chr18-46546989-C-CA. GRCh37 (hg19) VCF-style: chr18-44126952-C-CA.
Other names: c.86dup, p.Leu29fs (NM_001145472.3); c.-203dup (NM_001308013.2); c.3419dup, p.Leu1140fs (NM_144612.7); short protein forms L29fs, L1140fs.
Identifiers: ClinVar variation 2919252 (VCV002919252.3), dbSNP rs1398317198, ClinGen allele CA629924463.

ClinVar aggregate classification (germline): Pathogenic (1 of 4 stars; one submission).

Submission:

Labcorp Genetics (formerly Invitae), Labcorp
Classification: Pathogenic. Last evaluated: 2025-07-21. Review status: criteria provided, single submitter. Criteria: Invitae Variant Classification Sherloc (09022015). Collection method: clinical testing. Allele origin: germline.
Comment: This sequence change creates a premature translational stop signal (p.Leu1140Phefs*5) in the LOXHD1 gene. It is expected to result in an absent or disrupted protein product. Loss-of-function variants in LOXHD1 are known to be pathogenic (PMID: 19732867, 21465660, 25792669). This variant is present in population databases (no rsID available, gnomAD 0.004%). This premature translational stop signal has been observed in individual(s) with deafness (PMID: 33297549). ClinVar contains an entry for this variant (Variation ID: 2919252). For these reasons, this variant has been classified as Pathogenic.

Literature cited by the submitters: PubMed 19732867; PubMed 21465660; PubMed 25792669; PubMed 33297549.